The following is an entry in ClinVar:

NM_014285.7(EXOSC2):c.260G>T (p.Arg87Leu)

Gene: EXOSC2 (exosome component 2; plus strand). Cytogenetic location: 9q34.12.
Variant type: single nucleotide variant.
Coding change: c.260G>T on transcript NM_014285.7 (MANE Select); coding-DNA position 260, G replaced by T.
Protein change: p.Arg87Leu; replaces arginine 87 with leucine.
Molecular consequence: missense variant. On other transcripts: non-coding transcript variant (1).
Genome position (GRCh38, 1-based): chr9:130,697,617, G>T. VCF-style: chr9-130697617-G-T. GRCh37 (hg19) VCF-style: chr9-133573004-G-T.
Other names: c.260G>T, p.Arg87Leu (NM_001282708.1, NM_001282709.1); c.260G>T (NM_014285.5); short protein forms R87L.
Identifiers: ClinVar variation 1044344 (VCV001044344.9), dbSNP rs139286519, ClinGen allele CA5284790.

ClinVar aggregate classification (germline): Uncertain significance. Review status: criteria provided, multiple submitters, no conflicts (2 of 4 stars). 2 submissions from 2 submitters: Uncertain significance (2). Last evaluated 2025-10-03.

Allele frequency attached by ClinVar (database versions not stated): TOPMed 0.00003.
gnomAD v4.1: 13 of 1,613,964 alleles (0.00081%); highest among the groups gnomAD compares: Admixed American, 0.022%; no homozygotes.

Submissions (2):

Labcorp Genetics (formerly Invitae), Labcorp
Classification: Uncertain significance. Last evaluated: 2025-10-03. Review status: criteria provided, single submitter. Criteria: Invitae Variant Classification Sherloc (09022015). Collection method: clinical testing. Allele origin: germline.
Comment: This sequence change replaces arginine, which is basic and polar, with leucine, which is neutral and non-polar, at codon 87 of the EXOSC2 protein (p.Arg87Leu). This variant is present in population databases (rs139286519, gnomAD 0.02%). This variant has not been reported in the literature in individuals affected with EXOSC2-related conditions. ClinVar contains an entry for this variant (Variation ID: 1044344). Invitae Evidence Modeling of protein sequence and biophysical properties (such as structural, functional, and spatial information, amino acid conservation, physicochemical variation, residue mobility, and thermodynamic stability) indicates that this missense variant is expected to disrupt EXOSC2 protein function with a positive predictive value of 80%. In summary, the available evidence is currently insufficient to determine the role of this variant in disease. Therefore, it has been classified as a Variant of Uncertain Significance.

Ambry Genetics
Classification: Uncertain significance. Last evaluated: 2025-01-24. Review status: criteria provided, single submitter. Criteria: Ambry Variant Classification Scheme 2023. Collection method: clinical testing. Allele origin: germline.